The following is an entry in ClinVar:

NM_001267550.2(TTN):c.106087G>A (p.Gly35363Ser)

Genes: TTN-AS1 (TTN antisense RNA 1; plus strand), TTN (titin; minus strand), LOC129935182 (ATAC-STARR-seq lymphoblastoid active region 16807; plus strand). Cytogenetic location: 2q31.2.
Variant type: single nucleotide variant.
Coding change: c.106087G>A on transcript NM_001267550.2 (MANE Select); coding-DNA position 106087, G replaced by A.
Protein change: p.Gly35363Ser; replaces glycine 35363 with serine.
Molecular consequence: missense variant.
Genome position (GRCh38, 1-based): chr2:178,530,528, C>T on the plus strand (G>A on the coding strand, the complement: TTN is on the minus strand). VCF-style: chr2-178530528-C-T. GRCh37 (hg19) VCF-style: chr2-179395255-C-T.
Other names: c.101164G>A, p.Gly33722Ser (NM_001256850.1); c.78892G>A, p.Gly26298Ser (NM_003319.4); c.98383G>A, p.Gly32795Ser (NM_133378.4); c.79267G>A, p.Gly26423Ser (NM_133432.3); c.79468G>A, p.Gly26490Ser (NM_133437.4); short protein forms G26423S, G26490S, G35363S, G26298S, G32795S, G33722S.
Identifiers: ClinVar variation 2937031 (VCV002937031.3), dbSNP rs1575217507, ClinGen allele CA349407061.
Genomic context (GRCh38, chr2:178,530,528, plus strand): 5'-GGATACTCTTAAAGGCTTGCCCCATAAATTGTAAGTTGGTTTTAGACGTTCCACCTTCAC[C>T]AGAAATCTCACAAACATATTCTCCTTGATCAGATTCAGTGAGGTTATTGATTTTGAGCTC-3'
Protein context (NP_001254479.2, residues 35353-35373): DQGEYVCEIS[Gly35363Ser]EGGTSKTNLQ

ClinVar aggregate classification (germline): Uncertain significance (1 of 4 stars; one submission).

Conditions:
Dilated cardiomyopathy 1G (CMD1G). Identifiers: Orphanet 154, MedGen C1858763, MONDO:0011400, OMIM 604145.
Autosomal recessive limb-girdle muscular dystrophy type 2J (LGMDR10). Also called: Limb-girdle muscular dystrophy, type 2J; MUSCULAR DYSTROPHY, LIMB-GIRDLE, AUTOSOMAL RECESSIVE 10. Identifiers: Orphanet 140922, MedGen C1837342, MONDO:0012127, OMIM 608807.

Submission:

Labcorp Genetics (formerly Invitae), Labcorp
Classification: Uncertain significance for Dilated cardiomyopathy 1G; Autosomal recessive limb-girdle muscular dystrophy type 2J. Last evaluated: 2025-03-18. Review status: criteria provided, single submitter. Criteria: Invitae Variant Classification Sherloc (09022015). Collection method: clinical testing. Allele origin: germline.
Comment: This sequence change replaces glycine, which is neutral and non-polar, with serine, which is neutral and polar, at codon 35363 of the TTN protein (p.Gly35363Ser). This variant is not present in population databases (gnomAD no frequency). This variant has not been reported in the literature in individuals affected with TTN-related conditions. ClinVar contains an entry for this variant (Variation ID: 2937031). An algorithm developed to predict the effect of missense changes on protein structure and function outputs the following: PolyPhen-2: "Not Available". The serine amino acid residue is found in multiple mammalian species, which suggests that this missense change does not adversely affect protein function. This variant is located in the M band of TTN (PMID: 25589632). Non-truncating variants in this region may be relevant for neuromuscular disorders, but have not been definitively shown to cause cardiomyopathy (PMID: 23975875). In summary, the available evidence is currently insufficient to determine the role of this variant in disease. Therefore, it has been classified as a Variant of Uncertain Significance.

Literature cited by the submitters: PubMed 25589632; PubMed 23975875.